The following is an entry in ClinVar:

NM_014112.5(TRPS1):c.1387A>T (p.Lys463Ter)

Gene: TRPS1 (transcriptional repressor GATA binding 1; minus strand). Cytogenetic location: 8q23.3.
Variant type: single nucleotide variant.
Coding change: c.1387A>T on transcript NM_014112.5 (MANE Select); coding-DNA position 1387, A replaced by T.
Protein change: p.Lys463Ter; replaces lysine 463 with a stop codon.
Molecular consequence: nonsense.
Genome position (GRCh38, 1-based): chr8:115,604,582, T>A on the plus strand (A>T on the coding strand, the complement: TRPS1 is on the minus strand). VCF-style: chr8-115604582-T-A. GRCh37 (hg19) VCF-style: chr8-116616809-T-A.
Other names: c.1360A>T, p.Lys454Ter (NM_001282902.3); c.1366A>T, p.Lys456Ter (NM_001282903.3); c.1348A>T, p.Lys450Ter (NM_001330599.2); short protein forms K456*, K450*, K454*, K463*.
Identifiers: ClinVar variation 1458518 (VCV001458518.6), dbSNP rs2130493086, ClinGen allele CA372067515.

ClinVar aggregate classification (germline): Pathogenic (1 of 4 stars; one submission).

Conditions:
Trichorhinophalangeal syndrome, type III (TRPS3). Also called: SUGIO-KAJII SYNDROME. Identifiers: Orphanet 77258, MedGen C1860823, OMIM 190351, MONDO:0008597.
Trichorhinophalangeal dysplasia type I (TRPS1). Also called: TRPS I; TRICHORHINOPHALANGEAL SYNDROME, TYPE I. Identifiers: Orphanet 77258, MedGen C0432233, MONDO:0008596, OMIM 190350.

Submission:

Labcorp Genetics (formerly Invitae), Labcorp
Classification: Pathogenic for Trichorhinophalangeal syndrome, type III; Trichorhinophalangeal dysplasia type I. Last evaluated: 2021-01-28. Review status: criteria provided, single submitter. Criteria: Invitae Variant Classification Sherloc (09022015). Collection method: clinical testing. Allele origin: germline.
Comment: For these reasons, this variant has been classified as Pathogenic. This variant has not been reported in the literature in individuals with TRPS1-related conditions. This variant is not present in population databases (ExAC no frequency). This sequence change creates a premature translational stop signal (p.Lys463*) in the TRPS1 gene. It is expected to result in an absent or disrupted protein product. Loss-of-function variants in TRPS1 are known to be pathogenic (PMID: 11112658).

Literature cited by the submitters: PubMed 11112658.